The following is an entry in ClinVar:

ClinVar aggregate classification (germline): Benign/Likely benign. Review status: criteria provided, multiple submitters, no conflicts (2 of 4 stars). 4 submissions from 4 submitters: Benign (1); Likely benign (3). Last evaluated 2025-09-03.

Conditions:
Hereditary cancer-predisposing syndrome. Also called: Tumor predisposition; Hereditary Cancer Syndrome; Neoplastic Syndromes, Hereditary; Hereditary neoplastic syndrome. Identifiers: Orphanet 140162, MedGen C0027672, MeSH D009386, MONDO:0015356.
Hereditary diffuse gastric adenocarcinoma (HDGC). Also called: DIFFUSE GASTRIC AND LOBULAR BREAST CANCER SYNDROME. Identifiers: Orphanet 26106, MedGen C1708349, MONDO:0007648, OMIM 137215.

Submissions (4):

Labcorp Genetics (formerly Invitae), Labcorp
Classification: Likely benign for Hereditary diffuse gastric adenocarcinoma. Last evaluated: 2025-09-03. Review status: criteria provided, single submitter. Criteria: Invitae Variant Classification Sherloc (09022015). Collection method: clinical testing. Allele origin: germline.

Myriad Genetics, Inc.
Classification: Benign for Hereditary diffuse gastric adenocarcinoma. Last evaluated: 2024-09-11. Review status: criteria provided, single submitter. Criteria: Myriad Autosomal Dominant, Autosomal Recessive and X-Linked Classification Criteria (2023). Collection method: clinical testing. Allele origin: unknown.
Comment: This variant is considered benign. This variant is a silent/synonymous amino acid change and it is not expected to impact splicing.

Blueprint Genetics
Classification: Likely benign. Last evaluated: 2024-07-23. Review status: criteria provided, single submitter. Criteria: ACMG Guidelines, 2015. Collection method: clinical testing. Allele origin: germline.

Ambry Genetics
Classification: Likely benign for Hereditary cancer-predisposing syndrome. Last evaluated: 2017-02-23. Review status: criteria provided, single submitter. Criteria: Ambry Variant Classification Scheme 2023. Collection method: clinical testing. Allele origin: germline.

NM_004360.5(CDH1):c.87C>T (p.His29=)

Gene: CDH1 (cadherin 1; plus strand). Cytogenetic location: 16q22.1.
Variant type: single nucleotide variant.
Coding change: c.87C>T on transcript NM_004360.5 (MANE Select); coding-DNA position 87, C replaced by T.
Protein change: p.His29=; no amino-acid change (histidine 29 retained).
Molecular consequence: synonymous variant. On other transcripts: 5 prime UTR variant (2).
Genome position (GRCh38, 1-based): chr16:68,738,335, C>T. VCF-style: chr16-68738335-C-T. GRCh37 (hg19) VCF-style: chr16-68772238-C-T.
Other names: c.87C>T (LRG_301t1); c.87C>T, p.His29= (NM_001317184.2); c.-1529C>T (NM_001317185.2); c.-1733C>T (NM_001317186.2).
Identifiers: ClinVar variation 479521 (VCV000479521.16), dbSNP rs1555509762, ClinGen allele CA496149599.